The following is an entry in ClinVar:

NM_001776.6(ENTPD1):c.860A>T (p.Tyr287Phe)

Genes: ENTPD1 (ectonucleoside triphosphate diphosphohydrolase 1; plus strand), ENTPD1-AS1 (ENTPD1 antisense RNA 1; minus strand). Cytogenetic location: 10q24.1.
Variant type: single nucleotide variant.
Coding change: c.860A>T on transcript NM_001776.6 (MANE Select); coding-DNA position 860, A replaced by T.
Protein change: p.Tyr287Phe; replaces tyrosine 287 with phenylalanine.
Molecular consequence: missense variant. On other transcripts: intron variant (1).
Genome position (GRCh38, 1-based): chr10:95,847,492, A>T. VCF-style: chr10-95847492-A-T. GRCh37 (hg19) VCF-style: chr10-97607249-A-T.
Other names: c.881A>T, p.Tyr294Phe (NM_001098175.2); c.896A>T, p.Tyr299Phe (NM_001164178.1, NM_001320916.1); c.536A>T, p.Tyr179Phe (NM_001164181.1, NM_001312654.1); c.446A>T, p.Tyr149Phe (NM_001164182.2, NM_001164183.2); c.814-77A>T (NM_001164179.2); short protein forms Y149F, Y179F, Y287F, Y294F, Y299F.
Identifiers: ClinVar variation 3370261 (VCV003370261.2).

ClinVar aggregate classification (germline): Uncertain significance. Review status: criteria provided, multiple submitters, no conflicts (2 of 4 stars). 2 submissions from 2 submitters: Uncertain significance (2). Last evaluated 2024-11-15.

Conditions:
Inborn genetic diseases. Identifiers: MedGen C0950123, MeSH D030342.

gnomAD v4.1: 11 of 1,614,178 alleles (0.00068%); highest among the groups gnomAD compares: Middle Eastern, 0.016%; no homozygotes.

Submissions (2):

Ambry Genetics
Classification: Uncertain significance for Inborn genetic diseases. Last evaluated: 2024-11-15. Review status: criteria provided, single submitter. Criteria: Ambry Variant Classification Scheme 2023. Collection method: clinical testing. Allele origin: germline.

GeneDx
Classification: Uncertain significance. Last evaluated: 2024-01-09. Review status: criteria provided, single submitter. Criteria: GeneDx Variant Classification Process June 2021. Collection method: clinical testing. Allele origin: germline. Affected: yes.
Comment: Has not been previously published as pathogenic or benign to our knowledge; In silico analysis supports that this missense variant has a deleterious effect on protein structure/function